The following is an entry in ClinVar:

ClinVar aggregate classification (germline): Uncertain significance. Review status: criteria provided, single submitter (1 of 4 stars). 2 submissions from 2 submitters: Uncertain significance (1). 1 of the submissions does not count toward it. Last evaluated 2018-01-13.

Conditions:
Holoprosencephaly 11 (HPE11). Identifiers: Orphanet 2162, MedGen C3280215, MONDO:0013642, OMIM 614226.
CDON-related disorder. Also called: CDON-related condition.

Allele frequency attached by ClinVar (database versions not stated): gnomAD 0.00003 and 0.00004; TOPMed 0.00006; ESP Exome Variant Server 0.00015.
gnomAD v4.1: 75 of 1,613,874 alleles (0.0046%); highest among the groups gnomAD compares: Non-Finnish European, 0.0055%; no homozygotes.

Submissions (2):

Illumina Laboratory Services, Illumina
Classification: Uncertain significance for Holoprosencephaly 11. Last evaluated: 2018-01-13. Review status: criteria provided, single submitter. Criteria: ICSL Variant Classification Criteria 13 December 2019. Collection method: clinical testing. Allele origin: germline.

PreventionGenetics, part of Exact Sciences
Classification: Likely benign for CDON-related condition. Last evaluated: 2023-09-05. Review status: no assertion criteria provided. Collection method: clinical testing. Allele origin: germline. Not counted in ClinVar's aggregate classification.
Comment: This variant is classified as likely benign based on ACMG/AMP sequence variant interpretation guidelines (Richards et al. 2015 PMID: 25741868, with internal and published modifications).

NM_001378964.1(CDON):c.2859G>T (p.Gly953=)

Gene: CDON (cell adhesion associated, oncogene regulated; minus strand). Cytogenetic location: 11q24.2.
Variant type: single nucleotide variant.
Coding change: c.2859G>T on transcript NM_001378964.1 (MANE Select); coding-DNA position 2859, G replaced by T.
Protein change: p.Gly953=; no amino-acid change (glycine 953 retained).
Molecular consequence: synonymous variant.
Genome position (GRCh38, 1-based): chr11:125,984,008, C>A on the plus strand (G>T on the coding strand, the complement: CDON is on the minus strand). VCF-style: chr11-125984008-C-A. GRCh37 (hg19) VCF-style: chr11-125853903-C-A.
Other names: c.2859G>T, p.Gly953= (NM_001243597.3, NM_016952.6).
Identifiers: ClinVar variation 879735 (VCV000879735.6), dbSNP rs139149075, ClinGen allele CA6351587.